The following is an entry in ClinVar:

ClinVar aggregate classification (germline): Uncertain significance (1 of 4 stars; one submission).

gnomAD v4.1: 1 of 1,211,958 alleles (0.000083%); highest among the groups gnomAD compares: African/African-American, 0.0017%; no homozygotes.

Submission:

GeneDx
Classification: Uncertain significance. Last evaluated: 2019-11-12. Review status: criteria provided, single submitter. Criteria: GeneDx Variant Classification Process June 2021. Collection method: clinical testing. Allele origin: germline. Affected: yes.
Comment: Not observed in large population cohorts (Lek et al., 2016); In silico analysis, which includes protein predictors and evolutionary conservation, supports a deleterious effect; Has not been previously published as pathogenic or benign to our knowledge

NM_001110556.2(FLNA):c.6570C>G (p.Ile2190Met)

Gene: FLNA (filamin A; minus strand). Cytogenetic location: Xq28.
Variant type: single nucleotide variant.
Coding change: c.6570C>G on transcript NM_001110556.2 (MANE Select); coding-DNA position 6570, C replaced by G.
Protein change: p.Ile2190Met; replaces isoleucine 2190 with methionine.
Molecular consequence: missense variant.
Genome position (GRCh38, 1-based): chrX:154,352,380, G>C on the plus strand (C>G on the coding strand, the complement: FLNA is on the minus strand). VCF-style: chrX-154352380-G-C. GRCh37 (hg19) VCF-style: chrX-153580748-G-C.
Other names: c.6546C>G, p.Ile2182Met (NM_001456.4); short protein forms I2182M, I2190M.
Identifiers: ClinVar variation 1310145 (VCV001310145.2), dbSNP rs782314560, ClinGen allele CA415191050.
Genomic context (GRCh38, chrX:154,352,380, plus strand): 5'-GTGTGTGCCCATCTCAGCGGGAACAAAGCGGATGCAGTAGGTGTGGTTCTCCCCTTCCAC[G>C]ATCTCGGCCTCATGGGTCTTGCCCGATGGGCTGGTCACCTGGGCTGTCATATCCTGGATG-3'
Protein context (NP_001104026.1, residues 2180-2200): SPSGKTHEAE[Ile2190Met]VEGENHTYCI